The following is an entry in ClinVar:

NC_000007.13:g.(?_91830690)_(91832501_?)del

Gene: KRIT1 (KRIT1 ankyrin repeat containing; minus strand). Cytogenetic location: 7q21.2.
Variant type: Deletion.
Identifiers: ClinVar variation 1459395 (VCV001459395.6).

ClinVar aggregate classification (germline): Pathogenic (1 of 4 stars; one submission).

Conditions:
Cerebral cavernous malformation (CCM). Also called: Cerebral cavernous hemangioma (type); CAVERNOUS ANGIOMA, FAMILIAL; CAVERNOUS ANGIOMATOUS MALFORMATIONS; CEREBRAL CAPILLARY MALFORMATIONS; Cerebral cavernous malformations; Cavernous Hemangioma of Brain. Identifiers: Orphanet 221061, MedGen C2919945, MONDO:0000820, OMIM 116860, HP:0033522.

Submission:

Labcorp Genetics (formerly Invitae), Labcorp
Classification: Pathogenic for Cerebral cavernous malformation. Last evaluated: 2022-09-30. Review status: criteria provided, single submitter. Criteria: Invitae Variant Classification Sherloc (09022015). Collection method: clinical testing. Allele origin: germline.
Comment: For these reasons, this variant has been classified as Pathogenic. This variant has been observed in individual(s) with cerebral cavernous malformations (Invitae). This variant results in the deletion of part of exon 19 (c.2026-1764_2073del) of the KRIT1 gene. It is expected to disrupt RNA splicing. Variants that disrupt the donor or acceptor splice site typically lead to a loss of protein function (PMID: 16199547), and loss-of-function variants in KRIT1 are known to be pathogenic (PMID: 10508515, 11222804, 12404106, 24689081).

Literature cited by the submitters: PubMed 16199547; PubMed 10508515; PubMed 11222804; PubMed 12404106; PubMed 24689081.